The following is an entry in ClinVar:

NM_201384.3(PLEC):c.11452C>T (p.Leu3818Phe)

Gene: PLEC (plectin; minus strand). Cytogenetic location: 8q24.3.
Variant type: single nucleotide variant.
Coding change: c.11452C>T on transcript NM_201384.3 (MANE Select); coding-DNA position 11452, C replaced by T.
Protein change: p.Leu3818Phe; replaces leucine 3818 with phenylalanine.
Molecular consequence: missense variant.
Genome position (GRCh38, 1-based): chr8:143,918,369, G>A on the plus strand (C>T on the coding strand, the complement: PLEC is on the minus strand). VCF-style: chr8-143918369-G-A. GRCh37 (hg19) VCF-style: chr8-144992537-G-A.
Other names: c.11533C>T, p.Leu3845Phe (NM_000445.5); c.8152C>T, p.Leu2718Phe (NM_001410941.1); c.11410C>T, p.Leu3804Phe (NM_201378.4); c.11386C>T, p.Leu3796Phe (NM_201379.3); c.11863C>T, p.Leu3955Phe (NM_201380.4); c.11356C>T, p.Leu3786Phe (NM_201381.3); c.11452C>T, p.Leu3818Phe (NM_201382.4); c.11464C>T, p.Leu3822Phe (NM_201383.3); short protein forms L3955F, L3804F, L3818F, L3822F, L3786F, L3796F, L2718F, L3845F.
Identifiers: ClinVar variation 2098958 (VCV002098958.4), dbSNP rs782249416, ClinGen allele CA4924347.

ClinVar aggregate classification (germline): Uncertain significance (1 of 4 stars; one submission).

Conditions:
Epidermolysis bullosa simplex 5C, with pyloric atresia (EBS5C). Also called: PLEC-Related Epidermolysis Bullosa with Pyloric Atresia; Epidermolysis bullosa simplex with pyloric atresia; PLEC1-Related Epidermolysis Bullosa with Pyloric Atresia. Identifiers: Orphanet 158684, MedGen C2677349, MONDO:0012807, OMIM 612138.
Autosomal recessive limb-girdle muscular dystrophy type 2Q (LGMDR17). Also called: MUSCULAR DYSTROPHY, LIMB-GIRDLE, AUTOSOMAL RECESSIVE 17. Identifiers: Orphanet 254361, MedGen C3150989, MONDO:0013390, OMIM 613723.
Epidermolysis bullosa simplex, Ogna type (EBS5A). Also called: Pidermolysis bullosa simplex 5A, Ogna type; EPIDERMOLYSIS BULLOSA SIMPLEX 5A, OGNA TYPE. Identifiers: Orphanet 79401, MedGen C0432317, MONDO:0007555, OMIM 131950.
Epidermolysis bullosa simplex 5B, with muscular dystrophy (EBS5B). Also called: Epidermolysis bullosa simplex with muscular dystrophy; EPIDERMOLYSIS BULLOSA SIMPLEX AND LIMB-GIRDLE MUSCULAR DYSTROPHY. Identifiers: Orphanet 257, MedGen C2931072, MONDO:0009181, OMIM 226670.
Epidermolysis bullosa simplex with nail dystrophy (EBS5D). Identifiers: MedGen C4225309, MONDO:0014661, OMIM 616487.

Allele frequency attached by ClinVar (database versions not stated): gnomAD exomes 0.00001; ExAC 0.00005.
gnomAD v4.1: 10 of 1,571,648 alleles (0.00064%); highest among the groups gnomAD compares: South Asian, 0.01%; no homozygotes.

Submission:

Labcorp Genetics (formerly Invitae), Labcorp
Classification: Uncertain significance for Autosomal recessive limb-girdle muscular dystrophy type 2Q; Epidermolysis bullosa simplex, Ogna type; Epidermolysis bullosa simplex with nail dystrophy; Epidermolysis bullosa simplex 5C, with pyloric atresia; Epidermolysis bullosa simplex 5B, with muscular dystrophy. Last evaluated: 2022-06-29. Review status: criteria provided, single submitter. Criteria: Invitae Variant Classification Sherloc (09022015). Collection method: clinical testing. Allele origin: germline.
Comment: This variant has not been reported in the literature in individuals affected with PLEC-related conditions. This variant is present in population databases (rs782249416, gnomAD 0.02%). This sequence change replaces leucine, which is neutral and non-polar, with phenylalanine, which is neutral and non-polar, at codon 3845 of the PLEC protein (p.Leu3845Phe). Algorithms developed to predict the effect of missense changes on protein structure and function are either unavailable or do not agree on the potential impact of this missense change (SIFT: "Deleterious"; PolyPhen-2: "Probably Damaging"; Align-GVGD: "Class C15"). In summary, the available evidence is currently insufficient to determine the role of this variant in disease. Therefore, it has been classified as a Variant of Uncertain Significance.